The following is an entry in ClinVar:

NM_001330078.2(NRXN1):c.3365-109885C>G

Gene: NRXN1 (neurexin 1; minus strand). Cytogenetic location: 2p16.3.
Variant type: single nucleotide variant.
Coding change: c.3365-109885C>G on transcript NM_001330078.2 (MANE Select); 109885 bases into the intron before coding-DNA position 3365, C replaced by G.
Molecular consequence: intron variant. On other transcripts: missense variant (4).
Genome position (GRCh38, 1-based): chr2:50,346,855, G>C on the plus strand (C>G on the coding strand, the complement: NRXN1 is on the minus strand). VCF-style: chr2-50346855-G-C. GRCh37 (hg19) VCF-style: chr2-50573993-G-C.
Other names: c.95C>G, p.Ala32Gly (NM_001330091.2, NM_001330092.2, NM_001330097.2 and 1 more transcripts); c.3254-109885C>G (NM_001330096.2, NM_001330087.2); c.3299-109885C>G (NM_001330083.2, NM_001330084.2); c.3284-109885C>G (NM_001330088.2); c.3362-109885C>G (NM_001330093.2); c.3353-109885C>G (NM_001330094.2); c.3314-109885C>G (NM_001330095.2); c.3341-109885C>G (NM_001330082.2, NM_001330077.2); and 3 more; short protein forms A32G.
Identifiers: ClinVar variation 3067604 (VCV003067604.21), dbSNP rs2467369871, ClinGen allele CA346820571.

ClinVar aggregate classification (germline): Uncertain significance (1 of 4 stars; one submission).

Submission:

CeGaT Center for Human Genetics Tuebingen
Classification: Uncertain significance. Last evaluated: 2024-03-01. Review status: criteria provided, single submitter. Criteria: CeGaT Center For Human Genetics Tuebingen Variant Classification Criteria Version 2. Collection method: clinical testing. Allele origin: germline. Affected: yes. Observed: 1 variant allele.
Comment: NRXN1: PM2, BP4